The following is an entry in ClinVar:

NM_001365999.1(SZT2):c.6457G>A (p.Gly2153Ser)

Gene: SZT2 (SZT2 subunit of KICSTOR complex; plus strand). Cytogenetic location: 1p34.2.
Variant type: single nucleotide variant.
Coding change: c.6457G>A on transcript NM_001365999.1 (MANE Select); coding-DNA position 6457, G replaced by A.
Protein change: p.Gly2153Ser; replaces glycine 2153 with serine.
Molecular consequence: missense variant.
Genome position (GRCh38, 1-based): chr1:43,437,851, G>A. VCF-style: chr1-43437851-G-A. GRCh37 (hg19) VCF-style: chr1-43903522-G-A.
Other names: c.6286G>A, p.Gly2096Ser (NM_015284.4); short protein forms G2096S, G2153S.
Identifiers: ClinVar variation 1304981 (VCV001304981.2), dbSNP rs1178603904, ClinGen allele CA340029701.

ClinVar aggregate classification (germline): Uncertain significance (1 of 4 stars; one submission).

Allele frequency attached by ClinVar (database versions not stated): gnomAD exomes below 0.00001.
gnomAD v4.1: 2 of 1,614,168 alleles (0.00012%); highest among the groups gnomAD compares: African/African-American, 0.0013%; no homozygotes.

Submission:

GeneDx
Classification: Uncertain significance. Last evaluated: 2019-04-08. Review status: criteria provided, single submitter. Criteria: GeneDx Variant Classification Process June 2021. Collection method: clinical testing. Allele origin: germline. Affected: yes.
Comment: In silico analysis, which includes protein predictors and evolutionary conservation, supports that this variant does not alter protein structure/function; Has not been previously published as pathogenic or benign to our knowledge